The following is an entry in ClinVar:

ClinVar aggregate classification (germline): Uncertain significance (1 of 4 stars; one submission).

Conditions:
Inborn genetic diseases. Identifiers: MedGen C0950123, MeSH D030342.

Submission:

Ambry Genetics
Classification: Uncertain significance for Inborn genetic diseases. Last evaluated: 2021-09-16. Review status: criteria provided, single submitter. Criteria: Ambry Variant Classification Scheme 2023. Collection method: clinical testing. Allele origin: germline.
Comment: The p.S619Y variant (also known as c.1856C>A), located in coding exon 15 of the BUB1B gene, results from a C to A substitution at nucleotide position 1856. The serine at codon 619 is replaced by tyrosine, an amino acid with dissimilar properties. This amino acid position is conserved. In addition, the in silico prediction for this alteration is inconclusive. Since supporting evidence is limited at this time, the clinical significance of this alteration remains unclear.

NM_001211.6(BUB1B):c.1856C>A (p.Ser619Tyr)

Gene: BUB1B (BUB1 mitotic checkpoint serine/threonine kinase B; plus strand). Cytogenetic location: 15q15.1.
Variant type: single nucleotide variant.
Coding change: c.1856C>A on transcript NM_001211.6 (MANE Select); coding-DNA position 1856, C replaced by A.
Protein change: p.Ser619Tyr; replaces serine 619 with tyrosine.
Molecular consequence: missense variant.
Genome position (GRCh38, 1-based): chr15:40,206,305, C>A. VCF-style: chr15-40206305-C-A. GRCh37 (hg19) VCF-style: chr15-40498506-C-A.
Other names: short protein forms S619Y.
Identifiers: ClinVar variation 1781407 (VCV001781407.2), dbSNP rs2542564841, ClinGen allele CA391692541.
Genomic context (GRCh38, chr15:40,206,305, plus strand): 5'-TAACAATTTGTCCTAACCCAGAAGACACTTGTGACTTTGCCAGAGCAGCTCGTTTTGTAT[C>A]CACTCCTTTTCATGAGATAATGTCCTTGAAGGATCTCCCTTCTGATCCTGAGAGACTGTT-3'
Protein context (NP_001202.5, residues 609-629): CDFARAARFV[Ser619Tyr]TPFHEIMSLK